The following is an entry in ClinVar:

NM_002485.5(NBN):c.572C>T (p.Pro191Leu)

Gene: NBN (nibrin; minus strand). Cytogenetic location: 8q21.3.
Variant type: single nucleotide variant.
Coding change: c.572C>T on transcript NM_002485.5 (MANE Select); coding-DNA position 572, C replaced by T.
Protein change: p.Pro191Leu; replaces proline 191 with leucine.
Molecular consequence: missense variant.
Genome position (GRCh38, 1-based): chr8:89,978,232, G>A on the plus strand (C>T on the coding strand, the complement: NBN is on the minus strand). VCF-style: chr8-89978232-G-A. GRCh37 (hg19) VCF-style: chr8-90990460-G-A.
Other names: c.326C>T, p.Pro109Leu (NM_001024688.3); short protein forms P191L, P109L.
Identifiers: ClinVar variation 234537 (VCV000234537.19), dbSNP rs876661071, ClinGen allele CA10577369.

ClinVar aggregate classification (germline): Uncertain significance. Review status: criteria provided, multiple submitters, no conflicts (2 of 4 stars). 6 submissions from 6 submitters: Uncertain significance (6). Last evaluated 2024-04-08.

Conditions:
Hereditary cancer-predisposing syndrome. Also called: Tumor predisposition; Hereditary Cancer Syndrome; Hereditary neoplastic syndrome; Neoplastic Syndromes, Hereditary. Identifiers: Orphanet 140162, MedGen C0027672, MeSH D009386, MONDO:0015356.
Microcephaly, normal intelligence and immunodeficiency (NBS). Also called: IMMUNODEFICIENCY, MICROCEPHALY, AND CHROMOSOMAL INSTABILITY; SEEMANOVA SYNDROME II; Nijmegen breakage syndrome; Microcephaly with normal intelligence immunodeficiency and lymphoreticular malignancies; Nonsyndromal microcephaly autosomal recessive with normal intelligence; Seemanova syndrome 2. Identifiers: Orphanet 647, MedGen C0398791, MONDO:0009623, OMIM 251260.
Aplastic anemia. Identifiers: Orphanet 182040, Orphanet 88, MedGen C0002874, MONDO:0015909, OMIM 609135, HP:0001915.

Allele frequency attached by ClinVar (database versions not stated): gnomAD exomes below 0.00001.

Submissions (6):

Labcorp Genetics (formerly Invitae), Labcorp
Classification: Uncertain significance for Microcephaly, normal intelligence and immunodeficiency. Last evaluated: 2024-04-08. Review status: criteria provided, single submitter. Criteria: Invitae Variant Classification Sherloc (09022015). Collection method: clinical testing. Allele origin: germline.
Comment: This sequence change replaces proline, which is neutral and non-polar, with leucine, which is neutral and non-polar, at codon 191 of the NBN protein (p.Pro191Leu). This variant is not present in population databases (gnomAD no frequency). This variant has not been reported in the literature in individuals affected with NBN-related conditions. ClinVar contains an entry for this variant (Variation ID: 234537). An algorithm developed to predict the effect of missense changes on protein structure and function (PolyPhen-2) suggests that this variant is likely to be disruptive. In summary, the available evidence is currently insufficient to determine the role of this variant in disease. Therefore, it has been classified as a Variant of Uncertain Significance.

Ambry Genetics
Classification: Uncertain significance for Hereditary cancer-predisposing syndrome. Last evaluated: 2023-11-28. Review status: criteria provided, single submitter. Criteria: Ambry Variant Classification Scheme 2023. Collection method: clinical testing. Allele origin: germline.
Comment: The p.P191L variant (also known as c.572C>T), located in coding exon 5 of the NBN gene, results from a C to T substitution at nucleotide position 572. The proline at codon 191 is replaced by leucine, an amino acid with similar properties. This amino acid position is highly conserved in available vertebrate species. In addition, this alteration is predicted to be deleterious by in silico analysis. Since supporting evidence is limited at this time, the clinical significance of this alteration remains unclear.

Baylor Genetics
Classification: Uncertain significance for Aplastic anemia. Last evaluated: 2023-05-23. Review status: criteria provided, single submitter. Criteria: ACMG Guidelines, 2015. Collection method: clinical testing. Allele origin: unknown.

Sema4
Classification: Uncertain significance for Hereditary cancer-predisposing syndrome. Last evaluated: 2021-11-17. Review status: criteria provided, single submitter. Criteria: Sema4 Curation Guidelines. Collection method: curation. Allele origin: germline.
Comment: The NBN c.572C>T (p.P191L) variant has been reported in 0/60466 breast cancer cases and 1/53461 healthy controls by a large case-control study (PMID: 33471991). This variant is not reported in the large and broad cohorts of the Genome Aggregation Database (PMID: 32461654). This variant has been reported in ClinVar (Variation ID: 234537). Functional studies have not been performed, and in silico predictions of the variant's effect on protein function are inconclusive. The overall evidence is insufficient to meet ACMG/AMP criteria for classifying it as benign or pathogenic. In summary, the clinical significance of this variant is currently uncertain.

Genome-Nilou Lab
Classification: Uncertain significance for Microcephaly, normal intelligence and immunodeficiency. Last evaluated: 2021-11-07. Review status: criteria provided, single submitter. Criteria: ACMG Guidelines, 2015. Collection method: clinical testing. Allele origin: germline. Affected: no.

GeneDx
Classification: Uncertain significance. Last evaluated: 2017-03-03. Review status: criteria provided, single submitter. Criteria: GeneDx Variant Classification (06012015). Collection method: clinical testing. Allele origin: germline. Affected: yes.
Comment: This variant is denoted NBN c.572C>T at the cDNA level, p.Pro191Leu (P191L) at the protein level, and results in the change of a Proline to a Leucine (CCA>CTA). This variant has not, to our knowledge, been published in the literature as being pathogenic or benign. NBN Pro191Leu was not observed in approximately 6,500 individuals of European and African American ancestry in the NHLBI Exome Sequencing Project, indicating it is not a common benign variant in these populations. Since Proline and Leucine differ in some properties, this is considered a semi-conservative amino acid substitution. NBN Pro191Leu occurs at a position that is conserved across species and is located within a region that mediates interaction with SP100 (UniProt). In silico analyses predict that this variant is probably damaging to protein structure and function. Based on currently available evidence, it is unclear whether NBN Pro191Leu is pathogenic or benign.

Literature cited by the submitters: PubMed 33471991 (cited by Sema4).